The following is an entry in ClinVar:

ClinVar aggregate classification (germline): Uncertain significance (1 of 4 stars; one submission).

Submission:

Labcorp Genetics (formerly Invitae), Labcorp
Classification: Uncertain significance. Last evaluated: 2019-08-31. Review status: criteria provided, single submitter. Criteria: Invitae Variant Classification Sherloc (09022015). Collection method: clinical testing. Allele origin: germline.
Comment: This sequence change replaces proline with serine at codon 210 of the DTHD1 protein (p.Pro210Ser). The proline residue is highly conserved and there is a moderate physicochemical difference between proline and serine. This variant is not present in population databases (ExAC no frequency). This variant has not been reported in the literature in individuals with DTHD1-related conditions. Algorithms developed to predict the effect of missense changes on protein structure and function (SIFT, PolyPhen-2, Align-GVGD) all suggest that this variant is likely to be disruptive, but these predictions have not been confirmed by published functional studies and their clinical significance is uncertain. In summary, the available evidence is currently insufficient to determine the role of this variant in disease. Therefore, it has been classified as a Variant of Uncertain Significance.

NM_001170700.3(DTHD1):c.1498C>T (p.Pro500Ser)

Gene: DTHD1 (death domain containing 1; plus strand). Cytogenetic location: 4p14.
Variant type: single nucleotide variant.
Coding change: c.1498C>T on transcript NM_001170700.3 (MANE Select); coding-DNA position 1498, C replaced by T.
Protein change: p.Pro500Ser; replaces proline 500 with serine.
Molecular consequence: missense variant. On other transcripts: non-coding transcript variant (2).
Genome position (GRCh38, 1-based): chr4:36,294,894, C>T. VCF-style: chr4-36294894-C-T. GRCh37 (hg19) VCF-style: chr4-36296516-C-T.
Other names: c.628C>T, p.Pro210Ser (NM_001136536.5); c.565C>T, p.Pro189Ser (NM_001378435.1); short protein forms P210S, P500S, P189S.
Identifiers: ClinVar variation 934381 (VCV000934381.9), dbSNP rs1756301984, ClinGen allele CA356679941.